The following is an entry in ClinVar:

NM_000392.5(ABCC2):c.3741+1G>A

Gene: ABCC2 (ATP binding cassette subfamily C member 2; plus strand). Cytogenetic location: 10q24.2.
Variant type: single nucleotide variant.
Coding change: c.3741+1G>A on transcript NM_000392.5 (MANE Select); the canonical splice donor site of the intron after coding-DNA position 3741, G replaced by A.
Molecular consequence: splice donor variant.
Genome position (GRCh38, 1-based): chr10:99,842,094, G>A. VCF-style: chr10-99842094-G-A. GRCh37 (hg19) VCF-style: chr10-101601851-G-A.
Other names: c.3741+1G>A (NM_000392.4).
Identifiers: ClinVar variation 208557 (VCV000208557.21), dbSNP rs34937870, ClinGen allele CA204542.

ClinVar aggregate classification (germline): Pathogenic/Likely pathogenic. Review status: criteria provided, multiple submitters, no conflicts (2 of 4 stars). 6 submissions from 6 submitters: Pathogenic (3); Likely pathogenic (3). Last evaluated 2026-07-08.

Conditions:
ABCC2-related disorder. Also called: ABCC2-related condition.
Dubin-Johnson syndrome (DJS). Also called: Jaundice, Chronic Idiopathic; Hyperbilirubinemia type 2; HYPERBILIRUBINEMIA, DUBIN-JOHNSON TYPE. Identifiers: Orphanet 234, MedGen C0022350, MONDO:0009380, OMIM 237500.

Allele frequency attached by ClinVar (database versions not stated): TOPMed 0.00005; 1000 Genomes Project 0.00020; 1000 Genomes Project 30x 0.00031.

Submissions (6):

PreventionGenetics, part of Exact Sciences
Classification: Likely pathogenic for ABCC2-related condition. Last evaluated: 2026-07-08. Review status: criteria provided, single submitter. Criteria: ACMG Guidelines, 2015. Collection method: clinical testing. Allele origin: germline.
Comment: The ABCC2 c.3741+1G>A variant is predicted to disrupt the GT donor site and interfere with normal splicing. To our knowledge, this variant has not been reported in the literature. This variant is reported in 0.0056% of alleles in individuals of Latino descent in gnomAD. A different variant impacting the same nucelotide position (c.3741+1G>T) has been reported in the compound heterozygous state in an individual presenting with Dubin-Johnson syndrome (Table 1, Corpechot et al. 2019. PubMed ID: 31544333). Variants that disrupt the consensus splice donor site in ABCC2 are expected to be pathogenic. This variant is interpreted as likely pathogenic.

Labcorp Genetics (formerly Invitae), Labcorp
Classification: Likely pathogenic. Last evaluated: 2026-02-01. Review status: criteria provided, single submitter. Criteria: Invitae Variant Classification Sherloc (09022015). Collection method: clinical testing. Allele origin: germline.
Comment: This sequence change affects a donor splice site in intron 26 of the ABCC2 gene. It is expected to disrupt RNA splicing. Variants that disrupt the donor or acceptor splice site typically lead to a loss of protein function (PMID: 16199547), and loss-of-function variants in ABCC2 are known to be pathogenic (PMID: 9185779, 16549534, 16952291). This variant is present in population databases (rs34937870, gnomAD 0.006%). Disruption of this splice site has been observed in individual(s) with clinical features of Dubin-Johnson syndrome (PMID: 31544333). ClinVar contains an entry for this variant (Variation ID: 208557). Algorithms developed to predict the effect of sequence changes on RNA splicing suggest that this variant may disrupt the consensus splice site. In summary, the currently available evidence indicates that the variant is pathogenic, but additional data are needed to prove that conclusively. Therefore, this variant has been classified as Likely Pathogenic.

Fulgent Genetics
Classification: Likely pathogenic for Dubin-Johnson syndrome. Last evaluated: 2024-04-23. Review status: criteria provided, single submitter. Criteria: ACMG Guidelines, 2015. Collection method: clinical testing. Allele origin: germline.

Revvity Omics, Revvity
Classification: Pathogenic for Dubin-Johnson syndrome. Last evaluated: 2019-11-25. Review status: criteria provided, single submitter. Criteria: ACMG Guidelines, 2015. Collection method: clinical testing. Allele origin: germline.

Eurofins Ntd Llc (ga)
Classification: Pathogenic. Last evaluated: 2018-03-27. Review status: criteria provided, single submitter. Criteria: EGL ClinVar v180209 classification definitions. Collection method: clinical testing. Allele origin: germline. Observed: 2 variant alleles, 2 heterozygotes.

Laboratory for Molecular Medicine, Mass General Brigham Personalized Medicine
Classification: Pathogenic for Dubin-Johnson syndrome. Last evaluated: 2014-12-22. Review status: criteria provided, single submitter. Criteria: LMM Criteria. Collection method: clinical testing. Allele origin: germline. Inheritance: Autosomal recessive inheritance. Observed: 1 variant allele. Study: CSER-MedSeq.
Comment: The c.3741+1G>A variant in ABCC2 has not been previously reported in individuals with disease. It has been identified in 1/11606 of Latino chromosomes by the Exome Aggregation Consortium (ExAC; dbSNP rs34937870). This variant occurs in the invariant region (+/- 1,2) of the splice consensus sequence and is predicted to cause altered splicing leading to an abnormal or absent protein. Homozygous or compound heterozygous loss of function in the ABCC2 gene has been shown to cause Dubin-Johnson syndrome. In summary, this variant meets our criteria to be classified as pathogenic for Dubin-Johnson syndrome in an autosomal recessive manner.

Literature cited by the submitters: PubMed 16199547 (cited by Labcorp Genetics (formerly Invitae), Labcorp); PubMed 9185779 (cited by Labcorp Genetics (formerly Invitae), Labcorp); PubMed 16549534 (cited by Labcorp Genetics (formerly Invitae), Labcorp); PubMed 16952291 (cited by Labcorp Genetics (formerly Invitae), Labcorp); PubMed 31544333 (cited by Labcorp Genetics (formerly Invitae), Labcorp).